The following is an entry in ClinVar:

NM_004859.4(CLTC):c.2277_2285dup (p.Phe762_Leu763insLysAsnPhe)

Gene: CLTC (clathrin heavy chain; plus strand). Cytogenetic location: 17q23.1.
Variant type: Duplication.
Coding change: c.2277_2285dup on transcript NM_004859.4 (MANE Select); coding-DNA positions 2277 to 2285, 9 bases duplicated (CAAGAATTT; older notation c.2277_2285dupCAAGAATTT).
Protein change: p.Phe762_Leu763insLysAsnPhe.
Molecular consequence: inframe insertion.
Genome position (GRCh38, 1-based): chr17:59,668,925-59,668,933, CAAGAATTT duplicated; duplicating any 9 consecutive bases within chr17:59,668,924-59,668,933 gives the same sequence; the c. name uses the placement nearest the transcript's 3' end. VCF-style (leftmost placement, unchanged base first): chr17-59668923-G-GTCAAGAATT. GRCh37 (hg19) VCF-style: chr17-57746284-G-GTCAAGAATT.
Other names: c.2289_2297dup, p.Phe766_Leu767insLysAsnPhe (NM_001288653.2).
Identifiers: ClinVar variation 5008979 (VCV005008979.1).

ClinVar aggregate classification (germline): Uncertain significance (1 of 4 stars; one submission).

Submission:

GeneDx
Classification: Uncertain significance. Last evaluated: 2026-03-10. Review status: criteria provided, single submitter. Criteria: GeneDx Variant Classification Process June 2021. Collection method: clinical testing. Allele origin: germline.
Comment: Not observed at significant frequency in large population cohorts (gnomAD); In-frame duplication of 3 amino acid(s) in a non-repeat region; Has not been previously published as pathogenic or benign to our knowledge